The following is an entry in ClinVar:

ClinVar aggregate classification (germline): Benign/Likely benign. Review status: criteria provided, multiple submitters, no conflicts (2 of 4 stars). 12 submissions from 12 submitters: Benign (6); Likely benign (3). 3 of the submissions do not count toward it. Last evaluated 2026-08-01.

Conditions:
Myofibromatosis, infantile, 2. Identifiers: Orphanet 2591, MedGen C3809084, MONDO:0014122, OMIM 615293.
Lateral meningocele syndrome (LMNS). Also called: NOTCH3-Related Lateral Meningocele Syndrome. Identifiers: Orphanet 2789, MedGen C1851710, MONDO:0007537, OMIM 130720.
Cerebral arteriopathy, autosomal dominant, with subcortical infarcts and leukoencephalopathy, type 1 (CADASIL1). Also called: CASIL; Cerebral arteriopathy with subcortical infarcts and leukoencephalopathy 1; CADASIL 1; DEMENTIA, HEREDITARY MULTIINFARCT TYPE. Identifiers: Orphanet 136, MedGen C4551768, MONDO:0000914, OMIM 125310.

Allele frequency attached by ClinVar (database versions not stated): 1000 Genomes Project 0.00160; 1000 Genomes Project 30x 0.00172; ESP Exome Variant Server 0.00247; TOPMed 0.00260; gnomAD 0.00306.

Submissions (12):

CeGaT Center for Human Genetics Tuebingen
Classification: Likely benign. Last evaluated: 2026-08-01. Review status: criteria provided, single submitter. Criteria: CeGaT Center For Human Genetics Tuebingen Variant Classification Criteria Version 2. Collection method: clinical testing. Allele origin: germline. Affected: yes. Observed: 14 variant alleles.
Comment: NOTCH3: BP4, BP7

Labcorp Genetics (formerly Invitae), Labcorp
Classification: Benign. Last evaluated: 2026-01-15. Review status: criteria provided, single submitter. Criteria: Invitae Variant Classification Sherloc (09022015). Collection method: clinical testing. Allele origin: germline.

Mayo Clinic Laboratories, Mayo Clinic
Classification: Benign. Last evaluated: 2025-01-14. Review status: criteria provided, single submitter. Criteria: ACMG Guidelines, 2015. Collection method: clinical testing. Allele origin: germline. Observed: 20 variant alleles.
Comment: BS1, BS2, BP4, BP7

Blueprint Genetics
Classification: Likely benign. Last evaluated: 2024-11-27. Review status: criteria provided, single submitter. Criteria: ACMG Guidelines, 2015. Collection method: clinical testing. Allele origin: germline.

ARUP Laboratories, Molecular Genetics and Genomics, ARUP Laboratories
Classification: Benign. Last evaluated: 2024-09-10. Review status: criteria provided, single submitter. Criteria: ARUP Molecular Germline Variant Investigation Process 2024. Collection method: clinical testing. Allele origin: germline.

Fulgent Genetics
Classification: Likely benign for Cerebral arteriopathy, autosomal dominant, with subcortical infarcts and leukoencephalopathy, type 1; Lateral meningocele syndrome; Myofibromatosis, infantile, 2. Last evaluated: 2021-08-31. Review status: criteria provided, single submitter. Criteria: ACMG Guidelines, 2015. Collection method: clinical testing. Allele origin: unknown.

Illumina Laboratory Services, Illumina
Classification: Benign for Cerebral arteriopathy, autosomal dominant, with subcortical infarcts and leukoencephalopathy, type 1. Last evaluated: 2018-01-13. Review status: criteria provided, single submitter. Criteria: ICSL Variant Classification Criteria 13 December 2019. Collection method: clinical testing. Allele origin: germline.
Comment: This variant was observed in the ICSL laboratory as part of a predisposition screen in an ostensibly healthy population. It had not been previously curated by ICSL or reported in the Human Gene Mutation Database (HGMD: prior to June 1st, 2018), and was therefore a candidate for classification through an automated scoring system. Utilizing variant allele frequency, disease prevalence and penetrance estimates, and inheritance mode, an automated score was calculated to assess if this variant is too frequent to cause the disease. Based on the score and internal cut-off values, a variant classified as benign is not then subjected to further curation. The score for this variant resulted in a classification of benign for this disease.

Breakthrough Genomics
Classification: Benign. Review status: criteria provided, single submitter. Criteria: ACMG Guidelines, 2015. Collection method: not provided. Allele origin: germline. Inheritance: Autosomal dominant inheritance. Affected: yes.

PreventionGenetics, part of Exact Sciences
Classification: Benign. Review status: criteria provided, single submitter. Criteria: ACMG Guidelines, 2015. Collection method: clinical testing. Allele origin: germline.

Clinical Genetics DNA and cytogenetics Diagnostics Lab, Erasmus MC, Erasmus Medical Center
Classification: Likely benign. Review status: no assertion criteria provided. Collection method: clinical testing. Allele origin: germline. Affected: yes. Study: VKGL Data-share Consensus. Not counted in ClinVar's aggregate classification.

Genome Diagnostics Laboratory, Amsterdam University Medical Center
Classification: Likely benign. Review status: no assertion criteria provided. Collection method: clinical testing. Allele origin: germline. Affected: yes. Study: VKGL Data-share Consensus. Not counted in ClinVar's aggregate classification.

Laboratory of Diagnostic Genome Analysis, Leiden University Medical Center (LUMC)
Classification: Likely benign. Review status: no assertion criteria provided. Collection method: clinical testing. Allele origin: germline. Affected: yes. Study: VKGL Data-share Consensus. Not counted in ClinVar's aggregate classification.

Literature cited by the submitters: PubMed 22153900 (cited by Mayo Clinic Laboratories, Mayo Clinic); PubMed 24086431 (cited by Mayo Clinic Laboratories, Mayo Clinic).

NM_000435.3(NOTCH3):c.2202C>T (p.Ala734=)

Gene: NOTCH3 (notch receptor 3; minus strand). Cytogenetic location: 19p13.12.
Variant type: single nucleotide variant.
Coding change: c.2202C>T on transcript NM_000435.3 (MANE Select); coding-DNA position 2202, C replaced by T.
Protein change: p.Ala734=; no amino-acid change (alanine 734 retained).
Molecular consequence: synonymous variant.
Genome position (GRCh38, 1-based): chr19:15,185,351, G>A on the plus strand (C>T on the coding strand, the complement: NOTCH3 is on the minus strand). VCF-style: chr19-15185351-G-A. GRCh37 (hg19) VCF-style: chr19-15296162-G-A.
Other names: p.Ala734=.
Identifiers: ClinVar variation 256126 (VCV000256126.54), dbSNP rs140040122, ClinGen allele CA9263414.
Genomic context (GRCh38, chr19:15,185,351, plus strand): 5'-CATTCCATCGCTGCTGCATGTCCCACCGGCCCTGCACGGCTGGGACTCACAGGCGTCTCG[G>A]GCCAGGCTCTGGCTGCAGCGGGGGCCACTCCAGCCAGGCTCACACACACAGCGGAACCTG-3'
Protein context (NP_000426.2, residues 724-744): WSGPRCSQSL[Ala734=]RDACESQPCR